The following is an entry in ClinVar:

NM_006372.5(SYNCRIP):c.-1C>A

Gene: SYNCRIP (synaptotagmin binding cytoplasmic RNA interacting protein; minus strand). Cytogenetic location: 6q14.3.
Variant type: single nucleotide variant.
Coding change: c.-1C>A on transcript NM_006372.5 (MANE Select); 1 bases upstream of the start codon, C replaced by A.
Molecular consequence: 5 prime UTR variant. On other transcripts: intron variant (3).
Genome position (GRCh38, 1-based): chr6:85,641,440, G>T on the plus strand (C>A on the coding strand, the complement: SYNCRIP is on the minus strand). VCF-style: chr6-85641440-G-T. GRCh37 (hg19) VCF-style: chr6-86351158-G-T.
Other names: c.-1C>A (NM_001159674.2, NM_001159675.2, NM_001159676.2 and 1 more transcripts); c.-282-876C>A (NM_001253771.2); c.-146-876C>A (NM_001159673.2, NM_001410938.1).
Identifiers: ClinVar variation 3368963 (VCV003368963.1).

ClinVar aggregate classification (germline): Uncertain significance (1 of 4 stars; one submission).

Submission:

GeneDx
Classification: Uncertain significance. Last evaluated: 2024-02-08. Review status: criteria provided, single submitter. Criteria: GeneDx Variant Classification Process June 2021. Collection method: clinical testing. Allele origin: germline. Affected: yes.
Comment: Alters the Kozak sequence, which plays a major role in the initiation of translation; Not observed at significant frequency in large population cohorts (gnomAD); Nucleotide is not conserved across species and the substitution has no predicted effect on splicing; Has not been previously published as pathogenic or benign to our knowledge; Reported using an alternate transcript of the gene